The following is an entry in ClinVar:

NM_004385.5(VCAN):c.499G>A (p.Ala167Thr)

Gene: VCAN (versican; plus strand). Cytogenetic location: 5q14.2.
Variant type: single nucleotide variant.
Coding change: c.499G>A on transcript NM_004385.5 (MANE Select); coding-DNA position 499, G replaced by A.
Protein change: p.Ala167Thr; replaces alanine 167 with threonine.
Molecular consequence: missense variant.
Genome position (GRCh38, 1-based): chr5:83,493,599, G>A. VCF-style: chr5-83493599-G-A. GRCh37 (hg19) VCF-style: chr5-82789418-G-A.
Other names: c.499G>A, p.Ala167Thr (NM_001126336.3, NM_001164097.2, NM_001164098.2); short protein forms A167T.
Identifiers: ClinVar variation 3687852 (VCV003687852.2).

ClinVar aggregate classification (germline): Uncertain significance (1 of 4 stars; one submission).

Submission:

Labcorp Genetics (formerly Invitae), Labcorp
Classification: Uncertain significance. Last evaluated: 2024-10-30. Review status: criteria provided, single submitter. Criteria: Invitae Variant Classification Sherloc (09022015). Collection method: clinical testing. Allele origin: germline.
Comment: This sequence change replaces alanine, which is neutral and non-polar, with threonine, which is neutral and polar, at codon 167 of the VCAN protein (p.Ala167Thr). This variant is not present in population databases (gnomAD no frequency). This variant has not been reported in the literature in individuals affected with VCAN-related conditions. An algorithm developed to predict the effect of missense changes on protein structure and function outputs the following: PolyPhen-2: "Benign". The threonine amino acid residue is found in multiple mammalian species, which suggests that this missense change does not adversely affect protein function. In summary, the available evidence is currently insufficient to determine the role of this variant in disease. Therefore, it has been classified as a Variant of Uncertain Significance.